The following is an entry in ClinVar:

NM_007355.4(HSP90AB1):c.1962G>A (p.Leu654=)

Gene: HSP90AB1 (heat shock protein 90 alpha family class B member 1; plus strand). Cytogenetic location: 6p21.1.
Variant type: single nucleotide variant.
Coding change: c.1962G>A on transcript NM_007355.4 (MANE Select); coding-DNA position 1962, G replaced by A.
Protein change: p.Leu654=; no amino-acid change (leucine 654 retained).
Molecular consequence: synonymous variant.
Genome position (GRCh38, 1-based): chr6:44,253,275, G>A. VCF-style: chr6-44253275-G-A. GRCh37 (hg19) VCF-style: chr6-44221012-G-A.
Other names: c.1962G>A, p.Leu654= (NM_001271969.2, NM_001271970.2, NM_001371238.1); c.1818G>A, p.Leu606= (NM_001271971.2); c.1932G>A, p.Leu644= (NM_001271972.2).
Identifiers: ClinVar variation 2656613 (VCV002656613.23), dbSNP rs767880729, ClinGen allele CA3832446.
Genomic context (GRCh38, chr6:44,253,275, plus strand): 5'-TGTGGAGACGCTGCGGCAGAAGGCTGAGGCCGACAAGAATGATAAGGCAGTTAAGGACCT[G>A]GTGGTGCTGCTGTTTGAAACCGCCCTGCTATCTTCTGGCTTTTCCCTTGAGGATCCCCAG-3'
Protein context (NP_031381.2, residues 644-664): ADKNDKAVKD[Leu654=]VVLLFETALL

ClinVar aggregate classification (germline): Likely benign (1 of 4 stars; one submission).

Allele frequency attached by ClinVar (database versions not stated): ExAC 0.00002.
gnomAD v4.1: 9 of 1,614,196 alleles (0.00056%); highest among the groups gnomAD compares: Non-Finnish European, 0.00076%; no homozygotes.

Submission:

CeGaT Center for Human Genetics Tuebingen
Classification: Likely benign. Last evaluated: 2023-03-01. Review status: criteria provided, single submitter. Criteria: CeGaT Center For Human Genetics Tuebingen Variant Classification Criteria Version 2. Collection method: clinical testing. Allele origin: germline. Affected: yes. Observed: 1 variant allele.
Comment: HSP90AB1: BP4, BP7